The following is an entry in ClinVar:

NM_031935.3(HMCN1):c.243T>C (p.Phe81=)

Gene: HMCN1 (hemicentin 1; plus strand). Cytogenetic location: 1q25.3.
Variant type: single nucleotide variant.
Coding change: c.243T>C on transcript NM_031935.3 (MANE Select); coding-DNA position 243, T replaced by C.
Protein change: p.Phe81=; no amino-acid change (phenylalanine 81 retained).
Molecular consequence: synonymous variant.
Genome position (GRCh38, 1-based): chr1:185,735,022, T>C. VCF-style: chr1-185735022-T-C. GRCh37 (hg19) VCF-style: chr1-185704154-T-C.
Other names: c.243T>C (NM_031935.2).
Identifiers: ClinVar variation 2958866 (VCV002958866.4), dbSNP rs1200524770, ClinGen allele CA422519467.

ClinVar aggregate classification (germline): Likely benign. Review status: criteria provided, multiple submitters, no conflicts (2 of 4 stars). 2 submissions from 2 submitters: Likely benign (2). Last evaluated 2026-08-11.

Conditions:
HMCN1-related disorder. Also called: HMCN1-related condition.

Allele frequency attached by ClinVar (database versions not stated): TOPMed below 0.00001; gnomAD exomes 0.00001.
gnomAD v4.1: 17 of 1,614,214 alleles (0.0011%); highest among the groups gnomAD compares: Non-Finnish European, 0.0014%; no homozygotes.

Submissions (2):

PreventionGenetics, part of Exact Sciences
Classification: Likely benign for HMCN1-related condition. Last evaluated: 2026-08-11. Review status: criteria provided, single submitter. Criteria: ACMG Guidelines, 2015. Collection method: clinical testing. Allele origin: germline.
Comment: This variant is classified as likely benign based on ACMG/AMP sequence variant interpretation guidelines (Richards et al. 2015 PMID: 25741868, with internal and published modifications).

Labcorp Genetics (formerly Invitae), Labcorp
Classification: Likely benign. Last evaluated: 2025-08-20. Review status: criteria provided, single submitter. Criteria: Invitae Variant Classification Sherloc (09022015). Collection method: clinical testing. Allele origin: germline.